The following is an entry in ClinVar:

ClinVar aggregate classification (germline): Uncertain significance. Review status: criteria provided, multiple submitters, no conflicts (2 of 4 stars). 2 submissions from 2 submitters: Uncertain significance (2). Last evaluated 2024-10-08.

Conditions:
Myofibrillar myopathy 6. Identifiers: Orphanet 199340, MedGen C2751831, MONDO:0013061, OMIM 612954.
Dilated cardiomyopathy 1HH (CMD1HH). Identifiers: Orphanet 154, MedGen C3151293, MONDO:0013479, OMIM 613881.

Allele frequency attached by ClinVar (database versions not stated): gnomAD exomes below 0.00001; TOPMed 0.00001.

Submissions (2):

Women's Health and Genetics/Laboratory Corporation of America, LabCorp
Classification: Uncertain significance. Last evaluated: 2024-10-08. Review status: criteria provided, single submitter. Criteria: LabCorp Variant Classification Summary - May 2015. Collection method: clinical testing. Allele origin: germline.
Comment: Variant summary: BAG3 c.233C>T (p.Pro78Leu) results in a non-conservative amino acid change in the encoded protein sequence. Three of five in-silico tools predict a benign effect of the variant on protein function. The variant allele was found at a frequency of 4e-06 in 251420 control chromosomes (gnomAD). The available data on variant occurrences in the general population are insufficient to allow any conclusion about variant significance. To our knowledge, no occurrence of c.233C>T in individuals affected with Myofibrillar Myopathy, BAG3-Related and no experimental evidence demonstrating its impact on protein function have been reported. ClinVar contains an entry for this variant (Variation ID: 952830). Based on the evidence outlined above, the variant was classified as uncertain significance.

Labcorp Genetics (formerly Invitae), Labcorp
Classification: Uncertain significance for Dilated cardiomyopathy 1HH; Myofibrillar myopathy 6. Last evaluated: 2019-08-11. Review status: criteria provided, single submitter. Criteria: Invitae Variant Classification Sherloc (09022015). Collection method: clinical testing. Allele origin: germline.
Comment: This sequence change replaces proline with leucine at codon 78 of the BAG3 protein (p.Pro78Leu). The proline residue is moderately conserved and there is a moderate physicochemical difference between proline and leucine. This variant is not present in population databases (ExAC no frequency). This variant has not been reported in the literature in individuals with BAG3-related conditions. Algorithms developed to predict the effect of missense changes on protein structure and function (SIFT, PolyPhen-2, Align-GVGD) all suggest that this variant is likely to be tolerated, but these predictions have not been confirmed by published functional studies and their clinical significance is uncertain. In summary, the available evidence is currently insufficient to determine the role of this variant in disease. Therefore, it has been classified as a Variant of Uncertain Significance.

NM_004281.4(BAG3):c.233C>T (p.Pro78Leu)

Gene: BAG3 (BAG cochaperone 3; plus strand). Cytogenetic location: 10q26.11.
Variant type: single nucleotide variant.
Coding change: c.233C>T on transcript NM_004281.4 (MANE Select); coding-DNA position 233, C replaced by T.
Protein change: p.Pro78Leu; replaces proline 78 with leucine.
Molecular consequence: missense variant.
Genome position (GRCh38, 1-based): chr10:119,669,903, C>T. VCF-style: chr10-119669903-C-T. GRCh37 (hg19) VCF-style: chr10-121429415-C-T.
Other names: short protein forms P78L.
Identifiers: ClinVar variation 952830 (VCV000952830.10), dbSNP rs1277311006, ClinGen allele CA378294692.
Genomic context (GRCh38, chr10:119,669,903, plus strand): 5'-TATTTCAGGAGACTCCATCCTCTGCCAATGGCCCTTCCCGGGAGGGCTCTAGGCTGCCGC[C>T]TGCTAGGGAAGGCCACCCTGTGTACCCCCAGCTCCGACCAGGCTACATTCCCATTCCTGT-3'
Protein context (NP_004272.2, residues 68-88): GPSREGSRLP[Pro78Leu]AREGHPVYPQ